The following is an entry in ClinVar:

ClinVar aggregate classification (germline): Benign/Likely benign. Review status: criteria provided, multiple submitters, no conflicts (2 of 4 stars). 3 submissions from 3 submitters: Benign (1); Likely benign (2). Last evaluated 2024-03-26.

Conditions:
Hereditary cancer-predisposing syndrome. Also called: Tumor predisposition; Hereditary neoplastic syndrome; Neoplastic Syndromes, Hereditary; Hereditary Cancer Syndrome. Identifiers: Orphanet 140162, MedGen C0027672, MeSH D009386, MONDO:0015356.
Familial adenomatous polyposis 1 (FAP1). Also called: POLYPOSIS, ADENOMATOUS INTESTINAL; FAMILIAL ADENOMATOUS POLYPOSIS 1, ATTENUATED. Identifiers: MedGen C2713442, MONDO:0021056, OMIM 175100. Disease mechanism: loss of function.

Submissions (3):

Myriad Genetics, Inc.
Classification: Benign for Familial adenomatous polyposis 1. Last evaluated: 2024-03-26. Review status: criteria provided, single submitter. Criteria: Myriad Autosomal Dominant, Autosomal Recessive and X-Linked Classification Criteria (2023). Collection method: clinical testing. Allele origin: unknown.
Comment: This variant is considered benign. This variant is a silent/synonymous amino acid change and it is not expected to impact splicing.

Ambry Genetics
Classification: Likely benign for Hereditary cancer-predisposing syndrome. Last evaluated: 2022-07-10. Review status: criteria provided, single submitter. Criteria: Ambry Variant Classification Scheme 2023. Collection method: clinical testing. Allele origin: germline.

Labcorp Genetics (formerly Invitae), Labcorp
Classification: Likely benign for Familial adenomatous polyposis 1. Last evaluated: 2021-01-18. Review status: criteria provided, single submitter. Criteria: Invitae Variant Classification Sherloc (09022015). Collection method: clinical testing. Allele origin: germline.

NM_000038.6(APC):c.4257C>T (p.Ser1419=)

Gene: APC (APC regulator of Wnt signaling pathway; plus strand). Cytogenetic location: 5q22.2.
Variant type: single nucleotide variant.
Coding change: c.4257C>T on transcript NM_000038.6 (MANE Select); coding-DNA position 4257, C replaced by T.
Protein change: p.Ser1419=; no amino-acid change (serine 1419 retained).
Molecular consequence: synonymous variant.
Genome position (GRCh38, 1-based): chr5:112,839,851, C>T. VCF-style: chr5-112839851-C-T. GRCh37 (hg19) VCF-style: chr5-112175548-C-T.
Other names: c.4257C>T, p.Ser1419= (NM_001127510.3, NM_001354895.2); c.4203C>T, p.Ser1401= (NM_001127511.3); c.4311C>T, p.Ser1437= (NM_001354896.2); c.4287C>T, p.Ser1429= (NM_001354897.2); c.4182C>T, p.Ser1394= (NM_001354898.2); c.4173C>T, p.Ser1391= (NM_001354899.2); c.4134C>T, p.Ser1378= (NM_001354900.2); c.4080C>T, p.Ser1360= (NM_001354901.2); and 5 more.
Identifiers: ClinVar variation 1659229 (VCV001659229.10), dbSNP rs2149910125, ClinGen allele CA445964253.
Genomic context (GRCh38, chr5:112,839,851, plus strand): 5'-TTCGATTGCCAGCTCCGTTCAGAGTGAACCATGCAGTGGAATGGTAAGTGGCATTATAAG[C>T]CCCAGTGATCTTCCAGATAGCCCTGGACAAACCATGCCACCAAGCAGAAGTAAAACACCT-3'
Protein context (NP_000029.2, residues 1409-1429): PCSGMVSGII[Ser1419=]PSDLPDSPGQ